The following is an entry in ClinVar:

ClinVar aggregate classification (germline): Pathogenic. Review status: criteria provided, single submitter (1 of 4 stars). 2 submissions from 2 submitters: Pathogenic (1). 1 of the submissions does not count toward it. Last evaluated 2025-11-01.

Conditions:
Lipid proteinosis. Also called: HYALINOSIS CUTIS ET MUCOSAE; Lipoid Proteinosis of Urbach and Wiethe; Urbach Wiethe disease; lipoid proteinosis. Identifiers: Orphanet 530, MedGen C0023795, MONDO:0009530, OMIM 247100.

gnomAD v4.1: 14 of 1,614,238 alleles (0.00087%); highest among the groups gnomAD compares: East Asian, 0.0045%; no homozygotes.

Submissions (2):

CeGaT Center for Human Genetics Tuebingen
Classification: Pathogenic. Last evaluated: 2025-11-01. Review status: criteria provided, single submitter. Criteria: CeGaT Center For Human Genetics Tuebingen Variant Classification Criteria Version 2. Collection method: clinical testing. Allele origin: germline. Affected: yes. Observed: 1 variant allele.
Comment: ECM1: PM3:Strong, PVS1:Strong, PM2

Istanbul Faculty of Medicine, Istanbul University
Classification: Pathogenic for Lipid proteinosis. Last evaluated: 2015-08-21. Review status: no assertion criteria provided. Collection method: clinical testing. Allele origin: germline. Affected: yes. Not counted in ClinVar's aggregate classification.

NM_004425.4(ECM1):c.1441C>T (p.Arg481Ter)

Gene: ECM1 (extracellular matrix protein 1; plus strand). Cytogenetic location: 1q21.2.
Variant type: single nucleotide variant.
Coding change: c.1441C>T on transcript NM_004425.4 (MANE Select); coding-DNA position 1441, C replaced by T.
Protein change: p.Arg481Ter; replaces arginine 481 with a stop codon.
Molecular consequence: nonsense.
Genome position (GRCh38, 1-based): chr1:150,513,285, C>T. VCF-style: chr1-150513285-C-T. GRCh37 (hg19) VCF-style: chr1-150485761-C-T.
Other names: c.1522C>T, p.Arg508Ter (NM_001202858.2); c.1066C>T, p.Arg356Ter (NM_022664.3); short protein forms R356*, R481*, R508*.
Identifiers: ClinVar variation 3242455 (VCV003242455.7).